The following is an entry in ClinVar:

NM_001042492.3(NF1):c.5491T>C (p.Trp1831Arg)

Gene: NF1 (neurofibromin 1; plus strand). Cytogenetic location: 17q11.2.
Variant type: single nucleotide variant.
Coding change: c.5491T>C on transcript NM_001042492.3 (MANE Select); coding-DNA position 5491, T replaced by C.
Protein change: p.Trp1831Arg; replaces tryptophan 1831 with arginine.
Molecular consequence: missense variant.
Genome position (GRCh38, 1-based): chr17:31,327,721, T>C. VCF-style: chr17-31327721-T-C. GRCh37 (hg19) VCF-style: chr17-29654739-T-C.
Other names: c.5428T>C, p.Trp1810Arg (NM_000267.4); short protein forms W1831R, W1810R.
Identifiers: ClinVar variation 964207 (VCV000964207.6), dbSNP rs2069382435, ClinGen allele CA399009568.

ClinVar aggregate classification (germline): Uncertain significance (1 of 4 stars; one submission).

Conditions:
Neurofibromatosis, type 1 (NF1). Also called: Peripheral type neurofibromatosis; VON RECKLINGHAUSEN DISEASE; NEUROFIBROMATOSIS, TYPE I, SOMATIC; Neurofibromatosis, type I. Identifiers: Orphanet 636, MedGen C0027831, MONDO:0018975, OMIM 162200. Disease mechanism: loss of function.

Submission:

Labcorp Genetics (formerly Invitae), Labcorp
Classification: Uncertain significance for Neurofibromatosis, type 1. Last evaluated: 2019-08-17. Review status: criteria provided, single submitter. Criteria: Invitae Variant Classification Sherloc (09022015). Collection method: clinical testing. Allele origin: germline.
Comment: This sequence change replaces tryptophan with arginine at codon 1810 of the NF1 protein (p.Trp1810Arg). The tryptophan residue is moderately conserved and there is a moderate physicochemical difference between tryptophan and arginine. This variant is not present in population databases (ExAC no frequency). This variant has not been reported in the literature in individuals with NF1-related conditions. Algorithms developed to predict the effect of missense changes on protein structure and function are either unavailable or do not agree on the potential impact of this missense change (SIFT: "Deleterious"; PolyPhen-2: "Probably Damaging"; Align-GVGD: "Class C0"). In summary, the available evidence is currently insufficient to determine the role of this variant in disease. Therefore, it has been classified as a Variant of Uncertain Significance.